The following is an entry in ClinVar:

ClinVar aggregate classification (germline): Conflicting classifications of pathogenicity. Review status: criteria provided, conflicting classifications (1 of 4 stars). 6 submissions from 6 submitters: Uncertain significance (4); Likely benign (2). Last evaluated 2025-05-07.

Conditions:
Hereditary breast ovarian cancer syndrome. Also called: Breast and ovarian cancer; Hereditary breast and ovarian cancer; Hereditary breast and ovarian cancer syndrome; Hereditary breast and/or ovarian cancer syndrome; BRCA1- and BRCA2-Associated Hereditary Breast and Ovarian Cancer; Hereditary breast and ovarian cancer syndrome (HBOC). Identifiers: Orphanet 145, MedGen C0677776, MeSH D061325, MONDO:0003582. Disease mechanism: loss of function.
Breast-ovarian cancer, familial, susceptibility to, 1 (BROVCA1). Also called: BRCA1 Hereditary Breast and Ovarian Cancer; OVARIAN CANCER, SUSCEPTIBILITY TO. Identifiers: Orphanet 145, MedGen C2676676, MONDO:0011450, OMIM 604370. Disease mechanism: loss of function.
Hereditary cancer-predisposing syndrome. Also called: Tumor predisposition; Hereditary Cancer Syndrome; Neoplastic Syndromes, Hereditary; Hereditary neoplastic syndrome. Identifiers: Orphanet 140162, MedGen C0027672, MeSH D009386, MONDO:0015356.

Submissions (7):

Labcorp Genetics (formerly Invitae), Labcorp
Classification: Uncertain significance for Hereditary breast ovarian cancer syndrome. Last evaluated: 2025-05-07. Review status: criteria provided, single submitter. Criteria: Invitae Variant Classification Sherloc (09022015). Collection method: clinical testing. Allele origin: germline.
Comment: This sequence change replaces glycine, which is neutral and non-polar, with alanine, which is neutral and non-polar, at codon 1770 of the BRCA1 protein (p.Gly1770Ala). This variant is not present in population databases (gnomAD no frequency). This variant has not been reported in the literature in individuals affected with BRCA1-related conditions. ClinVar contains an entry for this variant (Variation ID: 216675). Invitae Evidence Modeling incorporating data from in vitro experimental studies (PMID: 30209399) indicates that this missense variant is not expected to disrupt BRCA1 function with a negative predictive value of 95%. Experimental studies have shown that this missense change does not substantially affect BRCA1 function (PMID: 30209399). This variant disrupts the p.Gly1770 amino acid residue in BRCA1. Other variant(s) that disrupt this residue have been determined to be pathogenic (PMID: 23613828, 23867111, 26864382, 30105462, 30209399). This suggests that this residue is clinically significant, and that variants that disrupt this residue are likely to be disease-causing. In summary, the available evidence is currently insufficient to determine the role of this variant in disease. Therefore, it has been classified as a Variant of Uncertain Significance.

Color Diagnostics, LLC DBA Color Health
Classification: Uncertain significance for Hereditary cancer-predisposing syndrome. Last evaluated: 2024-09-04. Review status: criteria provided, single submitter. Criteria: ACMG Guidelines, 2015. Collection method: clinical testing. Allele origin: germline.
Comment: This missense variant replaces glycine with alanine at codon 1770 of the BRCA1 protein. Computational prediction suggests that this variant may have deleterious impact on protein structure and function. However, a functional study has reported that this variant does not impact BRCA1 function in a haploid cell proliferation assay (PMID: 30209399). This variant has not been reported in individuals affected with BRCA1-related disorders in the literature. This variant has not been identified in the general population by the Genome Aggregation Database (gnomAD). The available evidence is insufficient to determine the role of this variant in disease conclusively. Therefore, this variant is classified as a Variant of Uncertain Significance.

Lupski Lab, Baylor-Hopkins CMG, Baylor College of Medicine
Classification: Likely benign for Breast-ovarian cancer, familial, susceptibility to, 1. Last evaluated: 2024-04-12. Review status: criteria provided, single submitter. Criteria: Dawood et al. (medRxiv. 2024). Collection method: curation. Allele origin: germline.
Comment: Each variant was annotated with functional scores from MAVE data which was translated into functional evidence codes. All other evidence codes and combining criteria were adhered to as closely as possible based on the ClinGen VCEP (Variant Curation Expert Panel) gene-specific recommendations. See Supplemental Figure 34 of final paper (Supp Fig. 28 in preprint: doi:10.1101/2024.04.11.24305690) for a table to see which lines of evidence we did not have data for. The ClinGen VCEPs are highly regarded as the gold-standard for gene-specific variant curation and are developed after extensive evaluation of the evidence by clinical and scientific experts for the particular gene to classify genomic variants on a spectrum from pathogenic to benign using the 2015 ACMG/AMP Variant Interpretation Guidelines as a backbone (PMID: 25741868). Reclassification of these VUS variants from gnomAD or All of Us focused only on variants originally prescribed as VUS in ClinVar. To ensure reproducibility, transparency, and increased throughput, all the procedures for annotating variants and assigning evidence codes were codified using Python. All code has been made freely available and is linked in the Code Availability section and all reclassified variants with evidence codes used can be found in Tables S18-19 (preprint: doi:10.1101/2024.04.11.24305690). For the MAVE data, the clinical curation and clinical strength assignment as per the ClinGen recommendations in Brnich et al. (2020) (PMID: 31892348) for or against pathogenicity or benignity of each of these MAVE datasets utilized in this study were previously published in Fayer et al. (2021) (PMID: 34793697).In brief, for BRCA1 variants, if a variant was categorized as FUNC (functional), it was assigned BS3 evidence and no PS3 evidence, whereas if it was categorized as LOF (loss of function), the variant was assigned PS3 evidence and no BS3 evidence. Variants categorized as INT (intermediate) were left unannotated. For the BRCA1 combining criteria, greater than or equal to 1 criteria of strong benign evidence was enough to reclassify the VUS as Likely Benign. This variant GRCh38:17:43051086:C>G was assigned evidence codes ['BS3'] and an overall classification of Likely benign

Baylor Genetics
Classification: Uncertain significance for Breast-ovarian cancer, familial, susceptibility to, 1. Last evaluated: 2023-09-22. Review status: criteria provided, single submitter. Criteria: ACMG Guidelines, 2015. Collection method: clinical testing. Allele origin: unknown.

All of Us Research Program, National Institutes of Health
Classification: Uncertain significance for Breast-ovarian cancer, familial, susceptibility to, 1. Last evaluated: 2023-06-08. Review status: criteria provided, single submitter. Criteria: ACMG Guidelines, 2015. Collection method: clinical testing. Allele origin: germline. Inheritance: Autosomal dominant inheritance. Observed: 1 variant allele, 1 heterozygote.
Comment: This missense variant replaces glycine with alanine at codon 1770 of the BRCA1 protein. Computational prediction suggests that this variant may have deleterious impact on protein structure and function (internally defined REVEL score threshold >= 0.7, PMID: 27666373). However, a functional study has reported that this variant does not impact BRCA1 function in a haploid cell proliferation assay (PMID: 30209399). This variant has not been reported in individuals affected with BRCA1-related disorders in the literature. This variant has not been identified in the general population by the Genome Aggregation Database (gnomAD). The available evidence is insufficient to determine the role of this variant in disease conclusively. Therefore, this variant is classified as a Variant of Uncertain Significance.

This study involves interpretation of variants in research participants for the purpose of population health screening. Participant phenotype was not available at the time of variant classification. Additional details can be found in publication PMID: 35346344, PMCID: PMC8962531

Ambry Genetics
Classification: Likely benign for Hereditary cancer-predisposing syndrome. Last evaluated: 2022-03-10. Review status: criteria provided, single submitter. Criteria: Ambry Variant Classification Scheme 2023. Collection method: clinical testing. Allele origin: germline.

Brotman Baty Institute, University of Washington
No classification provided (evidence only). Condition: Breast-ovarian cancer, familial 1. Review status: no classification provided. Collection method: in vitro. Allele origin: not applicable. Functional consequence: functionally_normal. Not counted in ClinVar's aggregate classification.
ClinVar note: "not provided" was previously submitted as the classification for the variant. However, the classification appeared to be based only on an observation of functional data so it was converted to no classification on 2025-07-30.

Literature cited by the submitters: PubMed 30209399 (cited by 4 submitters); PubMed 23613828 (cited by Labcorp Genetics (formerly Invitae), Labcorp); PubMed 23867111 (cited by Labcorp Genetics (formerly Invitae), Labcorp); PubMed 26864382 (cited by Labcorp Genetics (formerly Invitae), Labcorp); PubMed 30105462 (cited by Labcorp Genetics (formerly Invitae), Labcorp); PubMed 39142283 (cited by Lupski Lab, Baylor-Hopkins CMG, Baylor College of Medicine); PubMed 34793697 (cited by Lupski Lab, Baylor-Hopkins CMG, Baylor College of Medicine); DOI 10.1101/2024.04.11.24305690 (cited by Lupski Lab, Baylor-Hopkins CMG, Baylor College of Medicine).

NM_007294.4(BRCA1):c.5309G>C (p.Gly1770Ala)

Gene: BRCA1 (BRCA1 DNA repair associated; minus strand). Cytogenetic location: 17q21.31.
Variant type: single nucleotide variant.
Coding change: c.5309G>C on transcript NM_007294.4 (MANE Select); coding-DNA position 5309, G replaced by C.
Protein change: p.Gly1770Ala; replaces glycine 1770 with alanine.
Molecular consequence: missense variant. On other transcripts: non-coding transcript variant (1).
Genome position (GRCh38, 1-based): chr17:43,051,086, C>G on the plus strand (G>C on the coding strand, the complement: BRCA1 is on the minus strand). VCF-style: chr17-43051086-C-G. GRCh37 (hg19) VCF-style: chr17-41203103-C-G.
Other names: c.5096G>C, p.Gly1699Ala (NM_001407571.1, NM_001407894.1, NM_001407895.1 and 12 more transcripts); c.5375G>C, p.Gly1792Ala (NM_001407581.1, NM_001407582.1); c.5372G>C, p.Gly1791Ala (NM_001407583.1, NM_001407585.1, NM_001407587.1 and 1 more transcripts); c.5369G>C, p.Gly1790Ala (NM_001407590.1, NM_001407591.1); c.5309G>C, p.Gly1770Ala (NM_001407593.1, NM_001407594.1, NM_001407596.1 and 6 more transcripts); c.5306G>C, p.Gly1769Ala (NM_001407610.1, NM_001407621.1, NM_001407622.1 and 17 more transcripts); c.1997G>C, p.Gly666Ala (NM_001407986.1, NM_007298.4, NM_007299.4 and 13 more transcripts); c.5303G>C, p.Gly1768Ala (NM_001407627.1, NM_001407628.1, NM_001407629.1 and 14 more transcripts); and 72 more; short protein forms G1770A, G666A, G1723A, G1791A, G1473A, G1616A, G1680A, G1703A.
Identifiers: ClinVar variation 216675 (VCV000216675.23), dbSNP rs863224765, ClinGen allele CA338563.